The following is an entry in ClinVar:

NM_203486.3(DLL3):c.1275C>A (p.Asp425Glu)

Genes: DLL3 (delta like canonical Notch ligand 3; plus strand), LOC130064418 (ATAC-STARR-seq lymphoblastoid silent region 10609; plus strand). Cytogenetic location: 19q13.2.
Variant type: single nucleotide variant.
Coding change: c.1275C>A on transcript NM_203486.3 (MANE Select); coding-DNA position 1275, C replaced by A.
Protein change: p.Asp425Glu; replaces aspartic acid 425 with glutamic acid.
Molecular consequence: missense variant.
Genome position (GRCh38, 1-based): chr19:39,507,220, C>A. VCF-style: chr19-39507220-C-A. GRCh37 (hg19) VCF-style: chr19-39997860-C-A.
Other names: c.1275C>A, p.Asp425Glu (NM_016941.4); short protein forms D425E.
Identifiers: ClinVar variation 2110439 (VCV002110439.4), dbSNP rs2144764243, ClinGen allele CA405800743.

ClinVar aggregate classification (germline): Uncertain significance (1 of 4 stars; one submission).

Submission:

Labcorp Genetics (formerly Invitae), Labcorp
Classification: Uncertain significance. Last evaluated: 2022-10-06. Review status: criteria provided, single submitter. Criteria: Invitae Variant Classification Sherloc (09022015). Collection method: clinical testing. Allele origin: germline.
Comment: This sequence change replaces aspartic acid, which is acidic and polar, with glutamic acid, which is acidic and polar, at codon 425 of the DLL3 protein (p.Asp425Glu). This variant is not present in population databases (gnomAD no frequency). This variant has not been reported in the literature in individuals affected with DLL3-related conditions. Algorithms developed to predict the effect of missense changes on protein structure and function are either unavailable or do not agree on the potential impact of this missense change (SIFT: "Deleterious"; PolyPhen-2: "Probably Damaging"; Align-GVGD: "Class C0"). In summary, the available evidence is currently insufficient to determine the role of this variant in disease. Therefore, it has been classified as a Variant of Uncertain Significance.